The following is an entry in ClinVar:

NM_018975.4(TERF2IP):c.16G>A (p.Asp6Asn)

Gene: TERF2IP (TERF2 interacting protein; plus strand). Cytogenetic location: 16q23.1.
Variant type: single nucleotide variant.
Coding change: c.16G>A on transcript NM_018975.4 (MANE Select); coding-DNA position 16, G replaced by A.
Protein change: p.Asp6Asn; replaces aspartic acid 6 with asparagine.
Molecular consequence: missense variant. On other transcripts: non-coding transcript variant (1).
Genome position (GRCh38, 1-based): chr16:75,647,898, G>A. VCF-style: chr16-75647898-G-A. GRCh37 (hg19) VCF-style: chr16-75681796-G-A.
Other names: short protein forms D6N.
Identifiers: ClinVar variation 3455100 (VCV003455100.1).

ClinVar aggregate classification (germline): Uncertain significance (1 of 4 stars; one submission).

gnomAD v4.1: 5 of 1,607,034 alleles (0.00031%); highest among the groups gnomAD compares: South Asian, 0.0055%; no homozygotes.

Submission:

Ambry Genetics
Classification: Uncertain significance. Last evaluated: 2024-06-27. Review status: criteria provided, single submitter. Criteria: Ambry Variant Classification Scheme 2023. Collection method: clinical testing. Allele origin: germline.
Comment: The p.D6N variant (also known as c.16G>A), located in coding exon 1 of the TERF2IP gene, results from a G to A substitution at nucleotide position 16. The aspartic acid at codon 6 is replaced by asparagine, an amino acid with highly similar properties. This amino acid position is conserved. In addition, this alteration is predicted to be tolerated by in silico analysis. Based on the available evidence, the clinical significance of this variant remains unclear.